The following is an entry in ClinVar:

ClinVar aggregate classification (germline): Uncertain significance (1 of 4 stars; one submission).

Conditions:
Hereditary pancreatitis (PCTT). Also called: Hereditary chronic pancreatitis; PRSS1-Related Hereditary Pancreatitis. Identifiers: Orphanet 676, MedGen C0238339, MONDO:0008185, OMIM 167800.

Allele frequency attached by ClinVar (database versions not stated): gnomAD exomes below 0.00001; ExAC 0.00001.

Submission:

Ambry Genetics
Classification: Uncertain significance for Hereditary pancreatitis. Last evaluated: 2022-08-15. Review status: criteria provided, single submitter. Criteria: Ambry Variant Classification Scheme 2023. Collection method: clinical testing. Allele origin: germline.
Comment: The p.L52V variant (also known as c.154C>G), located in coding exon 2 of the PRSS1 gene, results from a C to G substitution at nucleotide position 154. The leucine at codon 52 is replaced by valine, an amino acid with highly similar properties. This amino acid position is conserved. In addition, this alteration is predicted to be deleterious by in silico analysis. Since supporting evidence is limited at this time, the clinical significance of this alteration remains unclear.

NM_002769.5(PRSS1):c.154C>G (p.Leu52Val)

Genes: TRB (T cell receptor beta locus; plus strand), PRSS1 (serine protease 1; plus strand). Cytogenetic location: 7q34.
Variant type: single nucleotide variant.
Coding change: c.154C>G on transcript NM_002769.5 (MANE Select); coding-DNA position 154, C replaced by G.
Protein change: p.Leu52Val; replaces leucine 52 with valine.
Molecular consequence: missense variant. On other transcripts: non-coding transcript variant (4).
Genome position (GRCh38, 1-based): chr7:142,750,668, C>G. VCF-style: chr7-142750668-C-G. GRCh37 (hg19) VCF-style: chr7-142458519-C-G.
Other names: short protein forms L52V.
Identifiers: ClinVar variation 1775013 (VCV001775013.2), dbSNP rs757218067, ClinGen allele CA4529692.